The following is an entry in ClinVar:

NM_005121.3(MED13):c.5065A>G (p.Ile1689Val)

Gene: MED13 (mediator complex subunit 13; minus strand). Cytogenetic location: 17q23.2.
Variant type: single nucleotide variant.
Coding change: c.5065A>G on transcript NM_005121.3 (MANE Select); coding-DNA position 5065, A replaced by G.
Protein change: p.Ile1689Val; replaces isoleucine 1689 with valine.
Molecular consequence: missense variant.
Genome position (GRCh38, 1-based): chr17:61,961,779, T>C on the plus strand (A>G on the coding strand, the complement: MED13 is on the minus strand). VCF-style: chr17-61961779-T-C. GRCh37 (hg19) VCF-style: chr17-60039140-T-C.
Other names: short protein forms I1689V.
Identifiers: ClinVar variation 1694855 (VCV001694855.31), dbSNP rs576729086, ClinGen allele CA8692252.

ClinVar aggregate classification (germline): Likely benign (1 of 4 stars; one submission).

Allele frequency attached by ClinVar (database versions not stated): gnomAD 0.00001; gnomAD exomes 0.00002 and 0.00004; ExAC 0.00006; 1000 Genomes Project 30x 0.00016; 1000 Genomes Project 0.00020.
gnomAD v4.1: 30 of 1,611,816 alleles (0.0019%); highest among the groups gnomAD compares: South Asian, 0.031%; no homozygotes.

Submission:

CeGaT Center for Human Genetics Tuebingen
Classification: Likely benign. Last evaluated: 2022-06-01. Review status: criteria provided, single submitter. Criteria: CeGaT Center For Human Genetics Tuebingen Variant Classification Criteria Version 2. Collection method: clinical testing. Allele origin: germline. Affected: yes. Observed: 1 variant allele.
Comment: MED13: BS2